The following is an entry in ClinVar:

NM_015506.3(MMACHC):c.619dup (p.Asp207fs)

Genes: MMACHC (metabolism of cobalamin associated C; plus strand), LOC129930446 (ATAC-STARR-seq lymphoblastoid active region 972; plus strand). Cytogenetic location: 1p34.1.
Variant type: Duplication.
Coding change: c.619dup on transcript NM_015506.3 (MANE Select); coding-DNA position 619, one base duplicated (G; older notation c.619dupG).
Protein change: p.Asp207fs; shifts the reading frame from aspartic acid 207.
Molecular consequence: frameshift variant.
Genome position (GRCh38, 1-based): chr1:45,508,985, G duplicated; the last of 3 consecutive G bases (chr1:45,508,983-45,508,985); duplicating any one gives the same sequence. VCF-style (leftmost placement, unchanged base first): chr1-45508982-C-CG. GRCh37 (hg19) VCF-style: chr1-45974654-C-CG.
Other names: c.619dupG (NM_015506.2); c.448dup, p.Asp150fs (NM_001330540.2); short protein forms D150fs, D207fs.
Identifiers: ClinVar variation 553035 (VCV000553035.24), dbSNP rs765913293, ClinGen allele CA827809.
Genomic context (GRCh38, chr1:45,508,982, plus strand): 5'-AGAGCTGACCGTATCGCCCTACTCGAAGGCTTCAATTTCCACTGGCGTGATTGGACTTAC[C>CG]GGGATGCTGTGACACCCCAGGAGCGCTACTCAGAAGAGCAGAAGGCCTACTTCTCCACTC-3'

ClinVar aggregate classification (germline): Pathogenic/Likely pathogenic. Review status: criteria provided, multiple submitters, no conflicts (2 of 4 stars). 7 submissions from 7 submitters: Pathogenic (2); Likely pathogenic (5). Last evaluated 2025-10-20.

Conditions:
MMACHC-related disorder. Also called: MMACHC-related condition.
Cobalamin C disease. Also called: Methylmalonic aciduria and homocystinuria, Vitamin B12-responsive; Vitamin B12 metabolic defect with combined deficiency of methylmalonyl-CoA mutase and homocysteine:methyltetrahydrofolate methyltransferase; methylmalonic aciduria and homocystinuria type cblC; Methylmalonic aciduria with homocystinuria cblC type; Cobalamin-C methylmalonic acidemia and homocystinuria; Methylmalonic acidemia and homocystinuria cblC type. Identifiers: Orphanet 26, Orphanet 79282, MedGen C1848561, MONDO:0010184, OMIM 277400.

Submissions (7):

Natera, Inc.
Classification: Likely pathogenic for Methylmalonic aciduria and homocystinuria cblC type. Last evaluated: 2025-10-20. Review status: criteria provided, single submitter. Criteria: Natera Variant Classification Schema (03/2026). Collection method: clinical testing. Allele origin: germline.
Comment: The c.619dupG variant in MMACHC is a frameshift variant predicted to shift the reading frame beginning at codon 207 and leads to a stop codon 38 codons downstream. This variant is expected to result in nonsense mediated decay, truncation, or a dysfunctional protein product. This variant is rare in the general population with a frequency below the threshold expected for the associated phenotype(s). Given the available evidence, this variant is classified as Likely Pathogenic.

Labcorp Genetics (formerly Invitae), Labcorp
Classification: Pathogenic for Cobalamin C disease. Last evaluated: 2025-09-28. Review status: criteria provided, single submitter. Criteria: Invitae Variant Classification Sherloc (09022015). Collection method: clinical testing. Allele origin: germline.
Comment: This sequence change creates a premature translational stop signal (p.Asp207Glyfs*38) in the MMACHC gene. While this is not anticipated to result in nonsense mediated decay, it is expected to disrupt the last 76 amino acid(s) of the MMACHC protein. This variant is present in population databases (rs765913293, gnomAD 0.0009%). This premature translational stop signal has been observed in individual(s) with cobalamin C deficiency (PMID: 26270766). ClinVar contains an entry for this variant (Variation ID: 553035). This variant disrupts a region of the MMACHC protein in which other variant(s) (p.Tyr222*) have been determined to be pathogenic (PMID: 16311595, 19767224, 30157807). This suggests that this is a clinically significant region of the protein, and that variants that disrupt it are likely to be disease-causing. For these reasons, this variant has been classified as Pathogenic.

Fulgent Genetics
Classification: Pathogenic for Cobalamin C disease. Last evaluated: 2024-02-07. Review status: criteria provided, single submitter. Criteria: ACMG Guidelines, 2015. Collection method: clinical testing. Allele origin: germline.

Blueprint Genetics
Classification: Likely pathogenic for MMACHC-related disorders. Last evaluated: 2024-01-09. Review status: criteria provided, single submitter. Criteria: ACMG Guidelines, 2015. Collection method: clinical testing. Allele origin: germline. Affected: yes. Observed: 2 variant alleles.

Genome-Nilou Lab
Classification: Likely pathogenic for Cobalamin C disease. Last evaluated: 2023-04-11. Review status: criteria provided, single submitter. Criteria: ACMG Guidelines, 2015. Collection method: clinical testing. Allele origin: germline. Affected: no.

Myriad Genetics, Inc.
Classification: Likely pathogenic for Cobalamin C disease. Last evaluated: 2021-11-18. Review status: criteria provided, single submitter. Criteria: Myriad Women's Health Autosomal Recessive and X-Linked Classification Criteria (2021). Collection method: clinical testing. Allele origin: unknown.
Comment: NM_015506.2(MMACHC):c.619dupG(D207Gfs*38) is a frameshifting truncation variant classified as likely pathogenic in the context of methylmalonic aciduria and homocystinuria, cblC type. D207Gfs*38 has been observed in cases with relevant disease (PMID: 26825575). Functional assessments of this variant are not available in the literature. D207Gfs*38 has been observed in population frequency databases (gnomAD: NFE 0.01%). In summary, NM_015506.2(MMACHC):c.619dupG(D207Gfs*38) is a frameshifting truncation variant in a gene where loss of function is a known mechanism of disease and is predicted to disrupt protein function. Please note: this variant was assessed in the context of healthy population screening.

GeneDx
Classification: Likely pathogenic. Last evaluated: 2021-03-05. Review status: criteria provided, single submitter. Criteria: GeneDx Variant Classification Process June 2021. Collection method: clinical testing. Allele origin: germline. Affected: yes.
Comment: Frameshift variant predicted to result in protein truncation, as the last 76 amino acids are replaced with 37 different amino acids, and other loss-of-function variants have been reported downstream in the Human Gene Mutation Database (Stenson et al., 2014); Not observed at a significant frequency in large population cohorts (Lek et al., 2016); This variant is associated with the following publications: (PMID: 26825575, 26270766, 31589614)

Literature cited by the submitters: PubMed 26270766 (cited by Labcorp Genetics (formerly Invitae), Labcorp); PubMed 16311595 (cited by Labcorp Genetics (formerly Invitae), Labcorp); PubMed 19767224 (cited by Labcorp Genetics (formerly Invitae), Labcorp); PubMed 30157807 (cited by Labcorp Genetics (formerly Invitae), Labcorp); PubMed 26825575 (cited by Myriad Genetics, Inc.).